The following is an entry in ClinVar:

NM_001134673.4(NFIA):c.243dup (p.Asp82fs)

Gene: NFIA (nuclear factor I A; plus strand). Cytogenetic location: 1p31.3.
Variant type: Duplication.
Coding change: c.243dup on transcript NM_001134673.4 (MANE Select); coding-DNA position 243, one base duplicated (A; older notation c.243dupA).
Protein change: p.Asp82fs; shifts the reading frame from aspartic acid 82.
Molecular consequence: frameshift variant.
Genome position (GRCh38, 1-based): chr1:61,088,364, A duplicated; the last of 3 consecutive A bases (chr1:61,088,362-61,088,364); duplicating any one gives the same sequence. VCF-style (leftmost placement, unchanged base first): chr1-61088361-G-GA. GRCh37 (hg19) VCF-style: chr1-61554033-G-GA.
Other names: c.219dup, p.Asp74fs (NM_001145511.2); c.378dup, p.Asp127fs (NM_001145512.2); c.243dup, p.Asp82fs (NM_005595.5); short protein forms D127fs, D74fs, D82fs.
Identifiers: ClinVar variation 1013239 (VCV001013239.39), dbSNP rs1646257371, ClinGen allele CA1170525714.

ClinVar aggregate classification (germline): Pathogenic/Likely pathogenic. Review status: criteria provided, multiple submitters, no conflicts (2 of 4 stars). 2 submissions from 2 submitters: Pathogenic (1); Likely pathogenic (1). Last evaluated 2022-04-11.

Conditions:
Chromosome 1p32-p31 deletion syndrome. Identifiers: Orphanet 401986, MedGen C4707828, MONDO:0013396.

Submissions (2):

Institute of Human Genetics, University of Leipzig Medical Center
Classification: Pathogenic for Brain malformations with or without urinary tract defects. Last evaluated: 2022-04-11. Review status: criteria provided, single submitter. Criteria: ACMG Guidelines, 2015. Collection method: clinical testing. Allele origin: paternal. Affected: yes.
Comment: _x000D_ Criteria applied: PVS1, PS4_SUP, PM2_SUP

CeGaT Center for Human Genetics Tuebingen
Classification: Likely pathogenic. Last evaluated: 2020-09-01. Review status: criteria provided, single submitter. Criteria: CeGaT Center For Human Genetics Tuebingen Variant Classification Criteria Version 2. Collection method: clinical testing. Allele origin: germline. Affected: yes. Observed: 1 variant allele.